The following is an entry in ClinVar:

NM_000081.4(LYST):c.2281G>C (p.Val761Leu)

Gene: LYST (lysosomal trafficking regulator; minus strand). Cytogenetic location: 1q42.3.
Variant type: single nucleotide variant.
Coding change: c.2281G>C on transcript NM_000081.4 (MANE Select); coding-DNA position 2281, G replaced by C.
Protein change: p.Val761Leu; replaces valine 761 with leucine.
Molecular consequence: missense variant.
Genome position (GRCh38, 1-based): chr1:235,808,537, C>G on the plus strand (G>C on the coding strand, the complement: LYST is on the minus strand). VCF-style: chr1-235808537-C-G. GRCh37 (hg19) VCF-style: chr1-235971837-C-G.
Other names: c.2281G>C, p.Val761Leu (NM_001301365.1); short protein forms V761L.
Identifiers: ClinVar variation 2091811 (VCV002091811.4), dbSNP rs1335781072, ClinGen allele CA344958675.
Genomic context (GRCh38, chr1:235,808,537, plus strand): 5'-GAGTTTTTACATAAATCTGAAGCACGTCCTGAGGCAAGCACTGGTTATGATGGCTACATA[C>G]ATGACTTTGAGCTGAAGTAACGCTTAGGTGTTGACAATGATGTGCTAATTCAACTCCTCT-3'
Protein context (NP_000072.2, residues 751-771): HLSVTSAQSH[Val761Leu]CSHHNQCLPQ

ClinVar aggregate classification (germline): Uncertain significance (1 of 4 stars; one submission).

Conditions:
Chédiak-Higashi syndrome (CHS). Also called: Chediak-Higashi Syndrome. Identifiers: Orphanet 167, MedGen C0007965, MONDO:0008963, OMIM 214500.

Allele frequency attached by ClinVar (database versions not stated): gnomAD exomes below 0.00001.
gnomAD v4.1: 3 of 1,613,686 alleles (0.00019%); highest among the groups gnomAD compares: Non-Finnish European, 0.00025%; no homozygotes.

Submission:

Labcorp Genetics (formerly Invitae), Labcorp
Classification: Uncertain significance for Chédiak-Higashi syndrome. Last evaluated: 2022-02-02. Review status: criteria provided, single submitter. Criteria: Invitae Variant Classification Sherloc (09022015). Collection method: clinical testing. Allele origin: germline.
Comment: This sequence change replaces valine, which is neutral and non-polar, with leucine, which is neutral and non-polar, at codon 761 of the LYST protein (p.Val761Leu). This variant is not present in population databases (gnomAD no frequency). This variant has not been reported in the literature in individuals affected with LYST-related conditions. Algorithms developed to predict the effect of missense changes on protein structure and function output the following: SIFT: "Tolerated"; PolyPhen-2: "Benign"; Align-GVGD: "Class C0". The leucine amino acid residue is found in multiple mammalian species, which suggests that this missense change does not adversely affect protein function. In summary, the available evidence is currently insufficient to determine the role of this variant in disease. Therefore, it has been classified as a Variant of Uncertain Significance.